The following is an entry in ClinVar:

ClinVar aggregate classification (germline): Uncertain significance. Review status: criteria provided, multiple submitters, no conflicts (2 of 4 stars). 4 submissions from 4 submitters: Uncertain significance (4). Last evaluated 2024-10-29.

Conditions:
Ehlers-Danlos syndrome, kyphoscoliotic type 1 (EDSKSCL1). Also called: EHLERS-DANLOS SYNDROME, TYPE VIA; PLOD1-Related Kyphoscoliotic Ehlers-Danlos Syndrome; Ehlers-Danlos syndrome, hydroxylysine-deficient; EHLERS-DANLOS SYNDROME, OCULAR-SCOLIOTIC TYPE. Identifiers: Orphanet 1900, MedGen C0268342, MONDO:0016002, OMIM 225400. Disease mechanism: loss of function.
Familial thoracic aortic aneurysm and aortic dissection (TAAD). Also called: Thoracic aortic aneurysms and dissections. Identifiers: Orphanet 91387, MedGen C4707243, MONDO:0019625.

Allele frequency attached by ClinVar (database versions not stated): gnomAD exomes 0.00002 and 0.00004; ExAC 0.00004; TOPMed 0.00019; gnomAD 0.00021 and 0.00024; ESP Exome Variant Server 0.00031; 1000 Genomes Project 0.00040; 1000 Genomes Project 30x 0.00047.
gnomAD v4.1: 65 of 1,613,130 alleles (0.004%); highest among the groups gnomAD compares: African/African-American, 0.068%; no homozygotes.

Submissions (4):

Ambry Genetics
Classification: Uncertain significance for Familial thoracic aortic aneurysm and aortic dissection. Last evaluated: 2024-10-29. Review status: criteria provided, single submitter. Criteria: Ambry Variant Classification Scheme 2023. Collection method: clinical testing. Allele origin: germline.
Comment: The p.P597S variant (also known as c.1789C>T), located in coding exon 17 of the PLOD1 gene, results from a C to T substitution at nucleotide position 1789. The proline at codon 597 is replaced by serine, an amino acid with similar properties. This amino acid position is highly conserved in available vertebrate species. In addition, this alteration is predicted to be deleterious by in silico analysis. Based on the available evidence, the clinical significance of this variant remains unclear.

GeneDx
Classification: Uncertain significance. Last evaluated: 2024-02-21. Review status: criteria provided, single submitter. Criteria: GeneDx Variant Classification Process June 2021. Collection method: clinical testing. Allele origin: germline. Affected: yes.
Comment: Has not been previously published as pathogenic or benign to our knowledge; In silico analysis supports that this missense variant has a deleterious effect on protein structure/function

Women's Health and Genetics/Laboratory Corporation of America, LabCorp
Classification: Uncertain significance. Last evaluated: 2023-07-21. Review status: criteria provided, single submitter. Criteria: LabCorp Variant Classification Summary - May 2015. Collection method: clinical testing. Allele origin: germline.

Labcorp Genetics (formerly Invitae), Labcorp
Classification: Uncertain significance for Ehlers-Danlos syndrome, kyphoscoliotic type 1. Last evaluated: 2022-07-09. Review status: criteria provided, single submitter. Criteria: Invitae Variant Classification Sherloc (09022015). Collection method: clinical testing. Allele origin: germline.
Comment: This sequence change replaces proline, which is neutral and non-polar, with serine, which is neutral and polar, at codon 597 of the PLOD1 protein (p.Pro597Ser). This variant is present in population databases (rs141692280, gnomAD 0.07%). This variant has not been reported in the literature in individuals affected with PLOD1-related conditions. ClinVar contains an entry for this variant (Variation ID: 529348). Algorithms developed to predict the effect of missense changes on protein structure and function are either unavailable or do not agree on the potential impact of this missense change (SIFT: "Deleterious"; PolyPhen-2: "Probably Damaging"; Align-GVGD: "Class C0"). In summary, the available evidence is currently insufficient to determine the role of this variant in disease. Therefore, it has been classified as a Variant of Uncertain Significance.

NM_000302.4(PLOD1):c.1789C>T (p.Pro597Ser)

Gene: PLOD1 (procollagen-lysine,2-oxoglutarate 5-dioxygenase 1; plus strand). Cytogenetic location: 1p36.22.
Variant type: single nucleotide variant.
Coding change: c.1789C>T on transcript NM_000302.4 (MANE Select); coding-DNA position 1789, C replaced by T.
Protein change: p.Pro597Ser; replaces proline 597 with serine.
Molecular consequence: missense variant.
Genome position (GRCh38, 1-based): chr1:11,970,703, C>T. VCF-style: chr1-11970703-C-T. GRCh37 (hg19) VCF-style: chr1-12030760-C-T.
Other names: c.1930C>T, p.Pro644Ser (NM_001316320.2); short protein forms P597S, P644S.
Identifiers: ClinVar variation 529348 (VCV000529348.14), dbSNP rs141692280, ClinGen allele CA598566.
Genomic context (GRCh38, chr1:11,970,703, plus strand): 5'-CTAAACATTCACCTCGGTCACCTCCAGGACAACCGCATCCAGGGTGGCTACGAGAACGTG[C>T]CGACTATTGACATCCACATGAACCAGATCGGCTTTGAGCGGGAGTGGCACAAATTCCTGC-3'
Protein context (NP_000293.2, residues 587-607): NRIQGGYENV[Pro597Ser]TIDIHMNQIG